The following is an entry in ClinVar:

ClinVar aggregate classification (germline): Uncertain significance (1 of 4 stars; one submission).

Conditions:
Drash syndrome (DDS). Also called: NEPHROPATHY, WILMS TUMOR, AND GENITAL ANOMALIES; WILMS TUMOR AND PSEUDO- OR TRUE HERMAPHRODITISM. Identifiers: Orphanet 220, MedGen C0950121, MONDO:0008682, OMIM 194080.
Frasier syndrome. Identifiers: Orphanet 347, MedGen C0950122, MeSH D052159, MONDO:0007635, OMIM 136680.
Wilms tumor 1 (WT1). Also called: Wilms tumor, somatic. Identifiers: Orphanet 654, MedGen CN033288, MONDO:0008679, OMIM 194070.
11p partial monosomy syndrome (WAGR). Also called: CHROMOSOME 11p13 DELETION SYNDROME; WAGR syndrome; WAGR Spectrum Disorder; WAGR Complex. Identifiers: Orphanet 893, MedGen C0206115, MONDO:0008681, OMIM 194072.

Submission:

Labcorp Genetics (formerly Invitae), Labcorp
Classification: Uncertain significance for Wilms tumor 1; Drash syndrome; 11p partial monosomy syndrome; Frasier syndrome. Last evaluated: 2022-08-23. Review status: criteria provided, single submitter. Criteria: Invitae Variant Classification Sherloc (09022015). Collection method: clinical testing. Allele origin: germline.
Comment: Algorithms developed to predict the effect of missense changes on protein structure and function (SIFT, PolyPhen-2, Align-GVGD) all suggest that this variant is likely to be tolerated. In summary, the available evidence is currently insufficient to determine the role of this variant in disease. Therefore, it has been classified as a Variant of Uncertain Significance. ClinVar contains an entry for this variant (Variation ID: 1513096). This variant has not been reported in the literature in individuals affected with WT1-related conditions. This variant is not present in population databases (gnomAD no frequency). This sequence change replaces methionine, which is neutral and non-polar, with leucine, which is neutral and non-polar, at codon 250 of the WT1 protein (p.Met250Leu).

NM_024426.6(WT1):c.763A>T (p.Met255Leu)

Gene: WT1 (WT1 transcription factor; minus strand). Cytogenetic location: 11p13.
Variant type: single nucleotide variant.
Coding change: c.763A>T on transcript NM_024426.6 (MANE Select); coding-DNA position 763, A replaced by T.
Protein change: p.Met255Leu; replaces methionine 255 with leucine.
Molecular consequence: missense variant. On other transcripts: non-coding transcript variant (1).
Genome position (GRCh38, 1-based): chr11:32,428,518, T>A on the plus strand (A>T on the coding strand, the complement: WT1 is on the minus strand). VCF-style: chr11-32428518-T-A. GRCh37 (hg19) VCF-style: chr11-32450064-T-A.
Other names: c.763A>T, p.Met255Leu (NM_000378.6, NM_001407044.1, NM_001407045.1 and 4 more transcripts); c.112A>T, p.Met38Leu (NM_001198551.2, NM_001198552.2); c.1A>T, p.Met1Leu (NM_001407051.1); c.748A>T, p.Met250Leu (NM_024425.2); short protein forms M38L, M255L, M1L, M250L.
Identifiers: ClinVar variation 1513096 (VCV001513096.9), dbSNP rs142653301, ClinGen allele CA379963296.
Genomic context (GRCh38, chr11:32,428,518, plus strand): 5'-AGAAGGGGAGAAGGACTCCACTTGGTTCCGCTCGCTTACCCAGCGAGCCCTGCTGGCCCA[T>A]GGGATCCTCATGCTTGAATGAGTGGTTGGGGAACTGCGCCGCATGGTGCGAGGGCGTGTG-3'
Protein context (NP_077744.4, residues 245-265): PNHSFKHEDP[Met255Leu]GQQGSLGEQQ